The following is an entry in ClinVar:

NM_015272.5(RPGRIP1L):c.2666A>G (p.His889Arg)

Gene: RPGRIP1L (RPGRIP1 like; minus strand). Cytogenetic location: 16q12.2.
Variant type: single nucleotide variant.
Coding change: c.2666A>G on transcript NM_015272.5 (MANE Select); coding-DNA position 2666, A replaced by G.
Protein change: p.His889Arg; replaces histidine 889 with arginine.
Molecular consequence: missense variant.
Genome position (GRCh38, 1-based): chr16:53,645,642, T>C on the plus strand (A>G on the coding strand, the complement: RPGRIP1L is on the minus strand). VCF-style: chr16-53645642-T-C. GRCh37 (hg19) VCF-style: chr16-53679554-T-C.
Other names: c.2666A>G, p.His889Arg (NM_001127897.4, NM_001308334.3, NM_001330538.2); short protein forms H889R.
Identifiers: ClinVar variation 971964 (VCV000971964.10), dbSNP rs1228542037, ClinGen allele CA395914108.

ClinVar aggregate classification (germline): Uncertain significance (1 of 4 stars; one submission).

Conditions:
Meckel-Gruber syndrome. Also called: Dysencephalia splachnocystica; DYSENCEPHALIA SPLANCHNOCYSTICA; GRUBER SYNDROME. Identifiers: Orphanet 564, MedGen C0265215, MONDO:0018921.
Joubert syndrome. Also called: Familial aplasia of the vermis; CEREBELLOPARENCHYMAL DISORDER IV; JOUBERT-BOLTSHAUSER SYNDROME. Identifiers: Orphanet 475, MedGen C5979921, MONDO:0018772.

Allele frequency attached by ClinVar (database versions not stated): TOPMed below 0.00001; gnomAD 0.00001.
gnomAD v4.1: 1 of 1,613,728 alleles (0.000062%); highest among the groups gnomAD compares: African/African-American, 0.0013%; no homozygotes.

Submission:

Labcorp Genetics (formerly Invitae), Labcorp
Classification: Uncertain significance for Joubert syndrome; Meckel-Gruber syndrome. Last evaluated: 2022-06-20. Review status: criteria provided, single submitter. Criteria: Invitae Variant Classification Sherloc (09022015). Collection method: clinical testing. Allele origin: germline.
Comment: In summary, the available evidence is currently insufficient to determine the role of this variant in disease. Therefore, it has been classified as a Variant of Uncertain Significance. Algorithms developed to predict the effect of missense changes on protein structure and function are either unavailable or do not agree on the potential impact of this missense change (SIFT: "Tolerated"; PolyPhen-2: "Possibly Damaging"; Align-GVGD: "Class C0"). ClinVar contains an entry for this variant (Variation ID: 971964). This variant has not been reported in the literature in individuals affected with RPGRIP1L-related conditions. This variant is not present in population databases (gnomAD no frequency). This sequence change replaces histidine, which is basic and polar, with arginine, which is basic and polar, at codon 889 of the RPGRIP1L protein (p.His889Arg).